The following is an entry in ClinVar:

NM_000492.4(CFTR):c.1585-2999A>C

Gene: CFTR (CF transmembrane conductance regulator; plus strand). Cytogenetic location: 7q31.2.
Variant type: single nucleotide variant.
Coding change: c.1585-2999A>C on transcript NM_000492.4 (MANE Select); 2999 bases into the intron before coding-DNA position 1585, A replaced by C.
Molecular consequence: intron variant.
Genome position (GRCh38, 1-based): chr7:117,584,740, A>C. VCF-style: chr7-117584740-A-C. GRCh37 (hg19) VCF-style: chr7-117224794-A-C.
Identifiers: ClinVar variation 4280087 (VCV004280087.1).

ClinVar aggregate classification (germline): Uncertain significance (1 of 4 stars; one submission).

Conditions:
Cystic fibrosis (CF). Also called: MUCOVISCIDOSIS. Identifiers: Orphanet 586, MedGen C0010674, MONDO:0009061, OMIM 219700. Disease mechanism: loss of function.

gnomAD v4.1: 15 of 151,918 alleles (0.0099%); highest among the groups gnomAD compares: Middle Eastern, 0.32%; no homozygotes.

Submission:

Johns Hopkins Genomics, Johns Hopkins University
Classification: Uncertain significance for Cystic fibrosis. Last evaluated: 2025-05-15. Review status: criteria provided, single submitter. Criteria: ACMG Guidelines, 2015. Collection method: clinical testing. Allele origin: germline.
Comment: The clinical significance of this variant is uncertain (PM2, PM3, BP2).